The following is an entry in ClinVar:

ClinVar aggregate classification (germline): Uncertain significance (1 of 4 stars; one submission).

Submission:

Labcorp Genetics (formerly Invitae), Labcorp
Classification: Uncertain significance. Last evaluated: 2024-11-05. Review status: criteria provided, single submitter. Criteria: Invitae Variant Classification Sherloc (09022015). Collection method: clinical testing. Allele origin: germline.
Comment: This sequence change replaces arginine, which is basic and polar, with glycine, which is neutral and non-polar, at codon 1528 of the OBSL1 protein (p.Arg1528Gly). This variant is not present in population databases (gnomAD no frequency). This variant has not been reported in the literature in individuals affected with OBSL1-related conditions. ClinVar contains an entry for this variant (Variation ID: 1347193). An algorithm developed to predict the effect of missense changes on protein structure and function (PolyPhen-2) suggests that this variant is likely to be disruptive. In summary, the available evidence is currently insufficient to determine the role of this variant in disease. Therefore, it has been classified as a Variant of Uncertain Significance.

NM_015311.3(OBSL1):c.4582C>G (p.Arg1528Gly)

Gene: OBSL1 (obscurin like cytoskeletal adaptor 1; minus strand). Cytogenetic location: 2q35.
Variant type: single nucleotide variant.
Coding change: c.4582C>G on transcript NM_015311.3 (MANE Select); coding-DNA position 4582, C replaced by G.
Protein change: p.Arg1528Gly; replaces arginine 1528 with glycine.
Molecular consequence: missense variant.
Genome position (GRCh38, 1-based): chr2:219,556,047, G>C on the plus strand (C>G on the coding strand, the complement: OBSL1 is on the minus strand). VCF-style: chr2-219556047-G-C. GRCh37 (hg19) VCF-style: chr2-220420769-G-C.
Other names: c.4582C>G, p.Arg1528Gly (NM_001173431.2); short protein forms R1528G.
Identifiers: ClinVar variation 1347193 (VCV001347193.8), dbSNP rs765149186, ClinGen allele CA350726146.
Genomic context (GRCh38, chr2:219,556,047, plus strand): 5'-GGGTAATGCATTAAGAGAGGACGGGGCACTCACGCCTCACGCTGAGCCTGGCCAGGGTGC[G>C]ATCGTGGTGGCTCTCGCAGCCGTAGGTGCCCTGGTCGGCCAGTATGACACCATGGATGAA-3'
Protein context (NP_056126.1, residues 1518-1538): GTYGCESHHD[Arg1528Gly]TLARLSVRPR